The following is an entry in ClinVar:

NM_001267550.2(TTN):c.31807G>A (p.Val10603Ile)

Gene: TTN (titin; minus strand). Cytogenetic location: 2q31.2.
Variant type: single nucleotide variant.
Coding change: c.31807G>A on transcript NM_001267550.2 (MANE Select); coding-DNA position 31807, G replaced by A.
Protein change: p.Val10603Ile; replaces valine 10603 with isoleucine.
Molecular consequence: missense variant. On other transcripts: intron variant (3).
Genome position (GRCh38, 1-based): chr2:178,689,852, C>T on the plus strand (G>A on the coding strand, the complement: TTN is on the minus strand). VCF-style: chr2-178689852-C-T. GRCh37 (hg19) VCF-style: chr2-179554579-C-T.
Other names: p.V9359I:GTT>ATT; c.13283-47535G>A (NM_003319.4); c.13859-47535G>A (NM_133437.4); c.13658-47535G>A (NM_133432.3); c.30856G>A, p.Val10286Ile (NM_001256850.1); c.28075G>A, p.Val9359Ile (NM_133378.4); short protein forms V10603I, V10286I, V9359I.
Identifiers: ClinVar variation 193962 (VCV000193962.35), dbSNP rs139790668, ClinGen allele CA302729.

ClinVar aggregate classification (germline): Conflicting classifications of pathogenicity. Review status: criteria provided, conflicting classifications (1 of 4 stars). 11 submissions from 11 submitters: Uncertain significance (3); Benign (1); Likely benign (4). 3 of the submissions do not count toward it. Last evaluated 2026-06-13.

Conditions:
TTN-related disorder. Also called: TTN-related condition; TTN-related disease; TTN-related disorders.
Dilated cardiomyopathy 1G (CMD1G). Identifiers: Orphanet 154, MedGen C1858763, MONDO:0011400, OMIM 604145.
Autosomal recessive limb-girdle muscular dystrophy type 2J (LGMDR10). Also called: Limb-girdle muscular dystrophy, type 2J; MUSCULAR DYSTROPHY, LIMB-GIRDLE, AUTOSOMAL RECESSIVE 10. Identifiers: Orphanet 140922, MedGen C1837342, MONDO:0012127, OMIM 608807.
Cardiomyopathy (CMYO). Also called: Cardiomyopathies. Identifiers: Orphanet 167848, MedGen C0878544, MONDO:0004994, HP:0001638. Inheritance: Various modes of inheritance.

Allele frequency attached by ClinVar (database versions not stated): gnomAD exomes 0.00020 and 0.00010; ExAC 0.00024; 1000 Genomes Project 30x 0.00047; ESP Exome Variant Server 0.00059; gnomAD 0.00088 and 0.00080; 1000 Genomes Project 0.00060; TOPMed 0.00086.
gnomAD v4.1: 287 of 1,613,094 alleles (0.018%); highest among the groups gnomAD compares: African/African-American, 0.27%; 1 homozygote.

Submissions (11):

Women's Health and Genetics/Laboratory Corporation of America, LabCorp
Classification: Likely benign. Last evaluated: 2026-06-13. Review status: criteria provided, single submitter. Criteria: LabCorp Variant Classification Summary - May 2015. Collection method: clinical testing. Allele origin: germline.
Comment: Variant summary: TTN c.28075G>A (p.Val9359Ile) results in a conservative amino acid change in the encoded protein sequence. Algorithms developed to predict the effect of missense changes on protein structure and function are either unavailable or do not agree on the potential impact of this missense change. The variant allele was found at a frequency of 0.0002 in 248810 control chromosomes, predominantly at a frequency of 0.0023 within the African or African-American subpopulation in the gnomAD database. The observed variant frequency within African or African-American control individuals in the gnomAD database exceeds the estimated maximal expected allele frequency for disease-causing variants in TTN. To our knowledge, no occurrence of c.28075G>A in individuals affected with TTN-related conditions and no experimental evidence demonstrating its impact on protein function have been reported. ClinVar contains an entry for this variant (Variation ID: 193962). Based on the evidence outlined above, the variant was classified as likely benign.

Molecular Diagnostic Laboratory for Inherited Cardiovascular Disease, Montreal Heart Institute
Classification: Likely benign. Last evaluated: 2026-03-27. Review status: criteria provided, single submitter. Criteria: ACMG Guidelines, 2015. Collection method: clinical testing. Allele origin: germline. Affected: no.
Comment: BS1;BP1

Labcorp Genetics (formerly Invitae), Labcorp
Classification: Likely benign for Dilated cardiomyopathy 1G; Autosomal recessive limb-girdle muscular dystrophy type 2J. Last evaluated: 2026-02-02. Review status: criteria provided, single submitter. Criteria: Invitae Variant Classification Sherloc (09022015). Collection method: clinical testing. Allele origin: germline.

ARUP Laboratories, Molecular Genetics and Genomics, ARUP Laboratories
Classification: Uncertain significance. Last evaluated: 2022-03-03. Review status: criteria provided, single submitter. Criteria: ARUP Molecular Germline Variant Investigation Process 2021. Collection method: clinical testing. Allele origin: germline.
Comment: The TTN c.28075G>A; p.Val9359Ile variant (rs139790668; ClinVar Variation ID: 193962) is rare in the general population (<0.2% allele frequency in the Genome Aggregation Database) and has not been reported in the medical literature in association with dilated cardiomyopathy (DCM) or other TTN-related disease. The clinical relevance of rare missense variants in this gene, which are identified on average once per individual sequenced in affected populations (Herman 2012), is not well understood. Yet, evidence suggests that the vast majority of such missense variants do not contribute to the clinical outcome of DCM (Begay 2015). Thus, the clinical significance of the p.Val9359Ile variant cannot be determined with certainty."

GeneDx
Classification: Likely benign. Last evaluated: 2020-12-15. Review status: criteria provided, single submitter. Criteria: GeneDx Variant Classification Process June 2021. Collection method: clinical testing. Allele origin: germline. Affected: yes.

CHEO Genetics Diagnostic Laboratory, Children's Hospital of Eastern Ontario
Classification: Benign for Cardiomyopathy. Last evaluated: 2020-06-25. Review status: criteria provided, single submitter. Criteria: ACMG Guidelines, 2015. Collection method: clinical testing. Allele origin: germline. Study: Canadian Open Genetics Repository.

Laboratory for Molecular Medicine, Mass General Brigham Personalized Medicine
Classification: Uncertain significance. Last evaluated: 2015-01-28. Review status: criteria provided, single submitter. Criteria: LMM Criteria. Collection method: clinical testing. Allele origin: germline. Observed: 1 variant allele.
Comment: Variant classified as Uncertain Significance - Favor Benign. The p.Val9359Ile in TTN has not been previously reported in individuals with cardiomyopathy, but ha s been identified in 0.2% (21/9972) of African chromosomes by the Exome Aggregat ion Consortium (ExAC; dbSNP rs139790668). Comput ational prediction tools and conservation analysis suggest that this variant may not impact the protein, though this information is not predictive enough to rul e out pathogenicity. In summary, while the clinical significance of the p.Val93 59Ile variant is uncertain, its frequency suggests that it is more likely to be benign.

Eurofins Ntd Llc (ga)
Classification: Uncertain significance. Last evaluated: 2014-10-23. Review status: criteria provided, single submitter. Criteria: EGL Classification Definitions 2015. Collection method: clinical testing. Allele origin: germline. Observed: 3 variant alleles, 3 heterozygotes.

PreventionGenetics, part of Exact Sciences
Classification: Likely benign for TTN-related condition. Last evaluated: 2022-01-31. Review status: no assertion criteria provided. Collection method: clinical testing. Allele origin: germline. Not counted in ClinVar's aggregate classification.
Comment: This variant is classified as likely benign based on ACMG/AMP sequence variant interpretation guidelines (Richards et al. 2015 PMID: 25741868, with internal and published modifications).

Clinical Genetics DNA and cytogenetics Diagnostics Lab, Erasmus MC, Erasmus Medical Center
Classification: Likely benign. Review status: no assertion criteria provided. Collection method: clinical testing. Allele origin: germline. Affected: yes. Study: VKGL Data-share Consensus. Not counted in ClinVar's aggregate classification.

Clinical Genetics, Academic Medical Center
Classification: Likely benign. Review status: no assertion criteria provided. Collection method: clinical testing. Allele origin: germline. Affected: yes. Study: VKGL Data-share Consensus. Not counted in ClinVar's aggregate classification.